The following is an entry in ClinVar:

NC_000007.13:g.(?_117246713)_(117251872_?)del

Gene: CFTR (CF transmembrane conductance regulator; plus strand). Cytogenetic location: 7q31.2.
Variant type: Deletion.
Identifiers: ClinVar variation 1074251 (VCV001074251.7).

ClinVar aggregate classification (germline): Pathogenic (1 of 4 stars; one submission).

Conditions:
Cystic fibrosis (CF). Also called: MUCOVISCIDOSIS. Identifiers: Orphanet 586, MedGen C0010674, MONDO:0009061, OMIM 219700. Disease mechanism: loss of function.

Submission:

Labcorp Genetics (formerly Invitae), Labcorp
Classification: Pathogenic for Cystic fibrosis. Last evaluated: 2022-03-16. Review status: criteria provided, single submitter. Criteria: Invitae Variant Classification Sherloc (09022015). Collection method: clinical testing. Allele origin: germline.
Comment: This variant is a gross deletion of the genomic region encompassing exon(s) 18-20 of the CFTR gene. This variant would be expected to be in-frame, preserving the integrity of the reading frame. A similar copy number variant has been observed in individual(s) with clinical features of cystic fibrosis (PMID: 17850636, 20052766, 22572733). In at least one individual the data is consistent with being in trans (on the opposite chromosome) from a pathogenic variant. This variant is also known as a deletion of exons 16‚Äì17b. Algorithms developed to predict the effect of variants on protein structure and function are not available or were not evaluated for this variant. Experimental studies have shown that a similar copy number variant affects CFTR function (PMID: 29951967). This variant disrupts the p.Arg1070 amino acid residue in CFTR. Other variant(s) that disrupt this residue have been determined to be pathogenic (PMID: 7539342, 18951463, 20880762, 21520337, 23891399). This suggests that this residue is clinically significant, and that variants that disrupt this residue are likely to be disease-causing. For these reasons, this variant has been classified as Pathogenic.

Literature cited by the submitters: PubMed 17850636; PubMed 20052766; PubMed 22572733; PubMed 29951967; PubMed 7539342; PubMed 18951463; PubMed 20880762; PubMed 21520337; PubMed 23891399.